The following is an entry in ClinVar:

NM_001291415.2(KDM6A):c.3233A>G (p.Asn1078Ser)

Gene: KDM6A (lysine demethylase 6A; plus strand). Cytogenetic location: Xp11.3.
Variant type: single nucleotide variant.
Coding change: c.3233A>G on transcript NM_001291415.2 (MANE Select); coding-DNA position 3233, A replaced by G.
Protein change: p.Asn1078Ser; replaces asparagine 1078 with serine.
Molecular consequence: missense variant. On other transcripts: non-coding transcript variant (1).
Genome position (GRCh38, 1-based): chrX:45,079,284, A>G. VCF-style: chrX-45079284-A-G. GRCh37 (hg19) VCF-style: chrX-44938529-A-G.
Other names: c.3098A>G, p.Asn1033Ser (NM_001291416.2, NM_001419811.1); c.2942A>G, p.Asn981Ser (NM_001291417.2); c.2840A>G, p.Asn947Ser (NM_001291418.2, NM_001419815.1); c.2189A>G, p.Asn730Ser (NM_001291421.2); c.2975A>G, p.Asn992Ser (NM_001410742.1, NM_001419814.1); c.3233A>G, p.Asn1078Ser (NM_001419809.1); c.3131A>G, p.Asn1044Ser (NM_001419810.1, NM_001419813.1); c.3077A>G, p.Asn1026Ser (NM_001419812.1, NM_021140.4); short protein forms N1026S, N1033S, N1044S, N1078S, N730S, N947S, N981S, N992S.
Identifiers: ClinVar variation 3366131 (VCV003366131.1).

ClinVar aggregate classification (germline): Uncertain significance (1 of 4 stars; one submission).

Submission:

GeneDx
Classification: Uncertain significance. Last evaluated: 2023-10-18. Review status: criteria provided, single submitter. Criteria: GeneDx Variant Classification Process June 2021. Collection method: clinical testing. Allele origin: germline. Affected: yes.
Comment: Not observed at significant frequency in large population cohorts (gnomAD); In silico analysis supports that this missense variant does not alter protein structure/function; Has not been previously published as pathogenic or benign to our knowledge